The following is an entry in ClinVar:

NM_020408.6(LYRM4):c.19G>A (p.Ala7Thr)

Genes: FARS2 (phenylalanyl-tRNA synthetase 2, mitochondrial; plus strand), LYRM4 (LYR motif containing 4; minus strand), LOC129995672 (ATAC-STARR-seq lymphoblastoid silent region 16873; plus strand). Cytogenetic location: 6p25.1.
Variant type: single nucleotide variant.
Coding change: c.19G>A on transcript NM_020408.6 (MANE Select); coding-DNA position 19, G replaced by A.
Protein change: p.Ala7Thr; replaces alanine 7 with threonine.
Molecular consequence: missense variant. On other transcripts: non-coding transcript variant (3).
Genome position (GRCh38, 1-based): chr6:5,260,715, C>T on the plus strand (G>A on the coding strand, the complement: LYRM4 is on the minus strand). VCF-style: chr6-5260715-C-T. GRCh37 (hg19) VCF-style: chr6-5260948-C-T.
Other names: c.19G>A, p.Ala7Thr (NM_001164840.3, NM_001164841.3, NM_001318782.1 and 1 more transcripts); short protein forms A7T.
Identifiers: ClinVar variation 1417275 (VCV001417275.7), dbSNP rs536077470, ClinGen allele CA3623554.

ClinVar aggregate classification (germline): Uncertain significance. Review status: criteria provided, multiple submitters, no conflicts (2 of 4 stars). 2 submissions from 2 submitters: Uncertain significance (2). Last evaluated 2025-10-14.

Allele frequency attached by ClinVar (database versions not stated): gnomAD exomes 0.00011; ExAC 0.00019; gnomAD 0.00056 and 0.00058; 1000 Genomes Project 0.00120; 1000 Genomes Project 30x 0.00125; TOPMed 0.00151.
gnomAD v4.1: 156 of 1,549,266 alleles (0.01%); highest among the groups gnomAD compares: Admixed American, 0.24%; 1 homozygote.

Submissions (2):

Labcorp Genetics (formerly Invitae), Labcorp
Classification: Uncertain significance. Last evaluated: 2025-10-14. Review status: criteria provided, single submitter. Criteria: Invitae Variant Classification Sherloc (09022015). Collection method: clinical testing. Allele origin: germline.
Comment: This sequence change replaces alanine, which is neutral and non-polar, with threonine, which is neutral and polar, at codon 7 of the LYRM4 protein (p.Ala7Thr). The frequency data for this variant in the population databases is considered unreliable, as metrics indicate poor data quality at this position in the gnomAD database. This variant has not been reported in the literature in individuals affected with LYRM4-related conditions. ClinVar contains an entry for this variant (Variation ID: 1417275). An algorithm developed to predict the effect of missense changes on protein structure and function (PolyPhen-2) suggests that this variant is likely to be tolerated. In summary, the available evidence is currently insufficient to determine the role of this variant in disease. Therefore, it has been classified as a Variant of Uncertain Significance.

Blueprint Genetics
Classification: Uncertain significance. Last evaluated: 2019-09-12. Review status: criteria provided, single submitter. Criteria: ACMG Guidelines, 2015. Collection method: clinical testing. Allele origin: germline.